The following is an entry in ClinVar:

NM_001042432.2(CLN3):c.147C>G (p.Asn49Lys)

Gene: CLN3 (CLN3 lysosomal/endosomal transmembrane protein, battenin; minus strand). Cytogenetic location: 16p12.1.
Variant type: single nucleotide variant.
Coding change: c.147C>G on transcript NM_001042432.2 (MANE Select); coding-DNA position 147, C replaced by G.
Protein change: p.Asn49Lys; replaces asparagine 49 with lysine.
Molecular consequence: missense variant. On other transcripts: 5 prime UTR variant (3).
Genome position (GRCh38, 1-based): chr16:28,489,365, G>C on the plus strand (C>G on the coding strand, the complement: CLN3 is on the minus strand). VCF-style: chr16-28489365-G-C. GRCh37 (hg19) VCF-style: chr16-28500686-G-C.
Other names: c.147C>G, p.Asn49Lys (NM_000086.2, NM_001286104.2); c.-74C>G (NM_001286105.2); c.-16C>G (NM_001286109.2, NM_001286110.2); short protein forms N49K.
Identifiers: ClinVar variation 1172706 (VCV001172706.7), dbSNP rs571216643, ClinGen allele CA395346538.

ClinVar aggregate classification (germline): Uncertain significance. Review status: criteria provided, multiple submitters, no conflicts (2 of 4 stars). 2 submissions from 2 submitters: Uncertain significance (2). Last evaluated 2022-08-09.

Conditions:
Neuronal ceroid lipofuscinosis 3 (CLN3). Identifiers: Orphanet 228346, MedGen C0751383, MONDO:0008767, OMIM 204200.
Neuronal ceroid lipofuscinosis. Also called: Neuronal Ceroid Lipofuscinoses. Identifiers: Orphanet 216, Orphanet 79263, MedGen C0027877, MONDO:0016295. Disease mechanism: loss of function.

gnomAD v4.1: 2 of 1,612,850 alleles (0.00012%); highest among the groups gnomAD compares: Admixed American, 0.0017%; no homozygotes.

Submissions (2):

Labcorp Genetics (formerly Invitae), Labcorp
Classification: Uncertain significance for Neuronal ceroid lipofuscinosis. Last evaluated: 2022-08-09. Review status: criteria provided, single submitter. Criteria: Invitae Variant Classification Sherloc (09022015). Collection method: clinical testing. Allele origin: germline.
Comment: This sequence change replaces asparagine, which is neutral and polar, with lysine, which is basic and polar, at codon 49 of the CLN3 protein (p.Asn49Lys). This variant is not present in population databases (gnomAD no frequency). This variant has not been reported in the literature in individuals affected with CLN3-related conditions. ClinVar contains an entry for this variant (Variation ID: 1172706). Algorithms developed to predict the effect of missense changes on protein structure and function (SIFT, PolyPhen-2, Align-GVGD) all suggest that this variant is likely to be disruptive. Algorithms developed to predict the effect of sequence changes on RNA splicing suggest that this variant may create or strengthen a splice site. In summary, the available evidence is currently insufficient to determine the role of this variant in disease. Therefore, it has been classified as a Variant of Uncertain Significance.

DBGen Ocular Genomics
Classification: Uncertain significance for CLN3 disease. Last evaluated: 2021-05-19. Review status: criteria provided, single submitter. Criteria: ACMG Guidelines, 2015. Collection method: clinical testing. Allele origin: germline. Affected: yes. Observed: 1 variant allele.